The following is an entry in ClinVar:

NM_001267550.2(TTN):c.13992del (p.Asp4664fs)

Gene: TTN (titin; minus strand). Cytogenetic location: 2q31.2.
Variant type: Deletion.
Coding change: c.13992del on transcript NM_001267550.2 (MANE Select); coding-DNA position 13992, one base deleted (C; older notation c.13992delC).
Protein change: p.Asp4664fs; shifts the reading frame from aspartic acid 4664.
Molecular consequence: frameshift variant. On other transcripts: intron variant (1).
Genome position (GRCh38, 1-based): chr2:178,739,241, G deleted on the plus strand (C on the coding strand, the reverse complement: TTN is on the minus strand). VCF-style (leftmost placement, unchanged base first): chr2-178739240-TG-T. GRCh37 (hg19) VCF-style: chr2-179603967-TG-T.
Other names: c.13041del, p.Asp4347fs (NM_001256850.1); c.12903del, p.Asp4301fs (NM_003319.4); c.13278del, p.Asp4426fs (NM_133432.3); c.13479del, p.Asp4493fs (NM_133437.4); c.10361-881del (NM_133378.4); short protein forms D4347fs, D4301fs, D4426fs, D4493fs, D4664fs.
Identifiers: ClinVar variation 4784632 (VCV004784632.1).

ClinVar aggregate classification (germline): Likely pathogenic (1 of 4 stars; one submission).

Conditions:
Dilated cardiomyopathy 1G (CMD1G). Identifiers: Orphanet 154, MedGen C1858763, MONDO:0011400, OMIM 604145.
Autosomal recessive limb-girdle muscular dystrophy type 2J (LGMDR10). Also called: Limb-girdle muscular dystrophy, type 2J; MUSCULAR DYSTROPHY, LIMB-GIRDLE, AUTOSOMAL RECESSIVE 10. Identifiers: Orphanet 140922, MedGen C1837342, MONDO:0012127, OMIM 608807.

Submission:

Labcorp Genetics (formerly Invitae), Labcorp
Classification: Likely pathogenic for Dilated cardiomyopathy 1G; Autosomal recessive limb-girdle muscular dystrophy type 2J. Last evaluated: 2025-04-07. Review status: criteria provided, single submitter. Criteria: Invitae Variant Classification Sherloc (09022015). Collection method: clinical testing. Allele origin: germline.
Comment: This sequence change creates a premature translational stop signal (p.Asp4664Glufs*3) in the TTN gene. While this is not anticipated to result in nonsense mediated decay, it is expected to disrupt the last 31328 amino acid(s) of the TTN protein. This variant is not present in population databases (gnomAD no frequency). This variant has not been reported in the literature in individuals affected with TTN-related conditions. This variant is located in the I band of TTN (PMID: 25589632). Truncating variants in this region have been reported in individuals affected with autosomal recessive centronuclear myopathy (PMID: 23975875, internal data). Truncating variants in this region have also been identified in individuals affected with autosomal dominant dilated cardiomyopathy and/or cardio-related conditions (PMID: 27869827, 32964742, internal data). In summary, the currently available evidence indicates that the variant is pathogenic, but additional data are needed to prove that conclusively. Therefore, this variant has been classified as Likely Pathogenic.

Literature cited by the submitters: PubMed 25589632; PubMed 23975875; PubMed 27869827; PubMed 32964742.